The following is an entry in ClinVar:

ClinVar aggregate classification (germline): Uncertain significance (1 of 4 stars; one submission).

Submission:

GeneDx
Classification: Uncertain significance. Last evaluated: 2024-01-25. Review status: criteria provided, single submitter. Criteria: GeneDx Variant Classification Process June 2021. Collection method: clinical testing. Allele origin: germline. Affected: yes.
Comment: Not observed at significant frequency in large population cohorts (gnomAD); In silico analysis supports that this missense variant does not alter protein structure/function; Has not been previously published as pathogenic or benign to our knowledge

NM_198586.3(NHLRC1):c.772C>A (p.Gln258Lys)

Gene: NHLRC1 (NHL repeat containing E3 ubiquitin protein ligase 1; minus strand). Cytogenetic location: 6p22.3.
Variant type: single nucleotide variant.
Coding change: c.772C>A on transcript NM_198586.3 (MANE Select); coding-DNA position 772, C replaced by A.
Protein change: p.Gln258Lys; replaces glutamine 258 with lysine.
Molecular consequence: missense variant.
Genome position (GRCh38, 1-based): chr6:18,121,835, G>T on the plus strand (C>A on the coding strand, the complement: NHLRC1 is on the minus strand). VCF-style: chr6-18121835-G-T. GRCh37 (hg19) VCF-style: chr6-18122066-G-T.
Other names: short protein forms Q258K.
Identifiers: ClinVar variation 3368211 (VCV003368211.1).